The following is an entry in ClinVar:

NM_001365276.2(TNXB):c.1960G>A (p.Ala654Thr)

Gene: TNXB (tenascin XB; minus strand). Cytogenetic location: 6p21.33.
Variant type: single nucleotide variant.
Coding change: c.1960G>A on transcript NM_001365276.2 (MANE Select); coding-DNA position 1960, G replaced by A.
Protein change: p.Ala654Thr; replaces alanine 654 with threonine.
Molecular consequence: missense variant.
Genome position (GRCh38, 1-based): chr6:32,095,893, C>T on the plus strand (G>A on the coding strand, the complement: TNXB is on the minus strand). VCF-style: chr6-32095893-C-T. GRCh37 (hg19) VCF-style: chr6-32063670-C-T.
Other names: c.1960G>A, p.Ala654Thr (NM_019105.8); short protein forms A654T.
Identifiers: ClinVar variation 3327874 (VCV003327874.2).

ClinVar aggregate classification (germline): Uncertain significance. Review status: criteria provided, multiple submitters, no conflicts (2 of 4 stars). 2 submissions from 2 submitters: Uncertain significance (2). Last evaluated 2025-09-16.

Conditions:
Cardiovascular phenotype. Identifiers: MedGen CN230736.

gnomAD v4.1: 2 of 1,612,666 alleles (0.00012%); highest among the groups gnomAD compares: Non-Finnish European, 0.00017%; no homozygotes.

Submissions (2):

Women's Health and Genetics/Laboratory Corporation of America, LabCorp
Classification: Uncertain significance. Last evaluated: 2025-09-16. Review status: criteria provided, single submitter. Criteria: LabCorp Variant Classification Summary - May 2015. Collection method: clinical testing. Allele origin: germline.
Comment: Variant summary: TNXB c.1960G>A (p.Ala654Thr) results in a non-conservative amino acid change in the encoded protein sequence. Algorithms developed to predict the effect of missense changes on protein structure and function are either unavailable or do not agree on the potential impact of this missense change. The frequency data for this variant in gnomAD is considered unreliable, as metrics indicate poor data quality at this position. To our knowledge, no occurrence of c.1960G>A in individuals affected with TNXB-related conditions and no experimental evidence demonstrating its impact on protein function have been reported. ClinVar contains an entry for this variant (Variation ID: 3327874). Based on the evidence outlined above, the variant was classified as uncertain significance.

Ambry Genetics
Classification: Uncertain significance for Cardiovascular phenotype. Last evaluated: 2024-03-27. Review status: criteria provided, single submitter. Criteria: Ambry Variant Classification Scheme 2023. Collection method: clinical testing. Allele origin: germline.
Comment: The p.A654T variant (also known as c.1960G>A), located in coding exon 2 of the TNXB gene, results from a G to A substitution at nucleotide position 1960. The alanine at codon 654 is replaced by threonine, an amino acid with similar properties. This amino acid position is conserved. In addition, this alteration is predicted to be tolerated by in silico analysis. Based on the available evidence, the clinical significance of this alteration remains unclear.